The following is an entry in ClinVar:

ClinVar aggregate classification (germline): Uncertain significance (1 of 4 stars; one submission).

Conditions:
Spastic paraplegia. Identifiers: MedGen C0037772, HP:0001258.

Allele frequency attached by ClinVar (database versions not stated): gnomAD exomes below 0.00001; gnomAD 0.00001.
gnomAD v4.1: 3 of 1,613,750 alleles (0.00019%); highest among the groups gnomAD compares: Non-Finnish European, 0.00025%; no homozygotes.

Submission:

Labcorp Genetics (formerly Invitae), Labcorp
Classification: Uncertain significance for Spastic paraplegia. Last evaluated: 2022-08-16. Review status: criteria provided, single submitter. Criteria: Invitae Variant Classification Sherloc (09022015). Collection method: clinical testing. Allele origin: germline.
Comment: This sequence change replaces glycine, which is neutral and non-polar, with aspartic acid, which is acidic and polar, at codon 438 of the ZFYVE26 protein (p.Gly438Asp). This variant is not present in population databases (gnomAD no frequency). This variant has not been reported in the literature in individuals affected with ZFYVE26-related conditions. ClinVar contains an entry for this variant (Variation ID: 1439699). Algorithms developed to predict the effect of missense changes on protein structure and function are either unavailable or do not agree on the potential impact of this missense change (SIFT: "Tolerated"; PolyPhen-2: "Possibly Damaging"; Align-GVGD: "Class C0"). In summary, the available evidence is currently insufficient to determine the role of this variant in disease. Therefore, it has been classified as a Variant of Uncertain Significance.

NM_015346.4(ZFYVE26):c.1313G>A (p.Gly438Asp)

Gene: ZFYVE26 (zinc finger FYVE-type containing 26; minus strand). Cytogenetic location: 14q24.1.
Variant type: single nucleotide variant.
Coding change: c.1313G>A on transcript NM_015346.4 (MANE Select); coding-DNA position 1313, G replaced by A.
Protein change: p.Gly438Asp; replaces glycine 438 with aspartic acid.
Molecular consequence: missense variant.
Genome position (GRCh38, 1-based): chr14:67,804,223, C>T on the plus strand (G>A on the coding strand, the complement: ZFYVE26 is on the minus strand). VCF-style: chr14-67804223-C-T. GRCh37 (hg19) VCF-style: chr14-68270940-C-T.
Other names: short protein forms G438D.
Identifiers: ClinVar variation 1439699 (VCV001439699.5), dbSNP rs1566896003, ClinGen allele CA390176914.